The following is an entry in ClinVar:

ClinVar aggregate classification (germline): Uncertain significance (1 of 4 stars; one submission).

Allele frequency attached by ClinVar (database versions not stated): gnomAD exomes below 0.00001; gnomAD 0.00004; TOPMed 0.00004.
gnomAD v4.1: 10 of 1,614,004 alleles (0.00062%); highest among the groups gnomAD compares: African/African-American, 0.012%; no homozygotes.

Submission:

Labcorp Genetics (formerly Invitae), Labcorp
Classification: Uncertain significance. Last evaluated: 2021-12-20. Review status: criteria provided, single submitter. Criteria: Invitae Variant Classification Sherloc (09022015). Collection method: clinical testing. Allele origin: germline.
Comment: In summary, the available evidence is currently insufficient to determine the role of this variant in disease. Therefore, it has been classified as a Variant of Uncertain Significance. Experimental studies and prediction algorithms are not available or were not evaluated, and the functional significance of this variant is currently unknown. This variant has not been reported in the literature in individuals affected with MAK-related conditions. This variant is present in population databases (no rsID available, gnomAD 0.01%). This sequence change replaces lysine, which is basic and polar, with glutamic acid, which is acidic and polar, at codon 360 of the MAK protein (p.Lys360Glu).

NM_001242957.3(MAK):c.1078A>G (p.Lys360Glu)

Gene: MAK (male germ cell associated kinase; minus strand). Cytogenetic location: 6p24.2.
Variant type: single nucleotide variant.
Coding change: c.1078A>G on transcript NM_001242957.3 (MANE Select); coding-DNA position 1078, A replaced by G.
Protein change: p.Lys360Glu; replaces lysine 360 with glutamic acid.
Molecular consequence: missense variant. On other transcripts: non-coding transcript variant (2).
Genome position (GRCh38, 1-based): chr6:10,796,063, T>C on the plus strand (A>G on the coding strand, the complement: MAK is on the minus strand). VCF-style: chr6-10796063-T-C. GRCh37 (hg19) VCF-style: chr6-10796296-T-C.
Other names: c.1078A>G, p.Lys360Glu (NM_001242385.2, NM_005906.6); c.976A>G, p.Lys326Glu (NM_001377262.1); short protein forms K326E, K360E.
Identifiers: ClinVar variation 1944069 (VCV001944069.4), dbSNP rs1037746595, ClinGen allele CA134114715.